The following is an entry in ClinVar:

ClinVar aggregate classification (germline): Benign. Review status: criteria provided, multiple submitters, no conflicts (2 of 4 stars). 3 submissions from 3 submitters: Benign (3). Last evaluated 2026-02-03.

Allele frequency attached by ClinVar (database versions not stated): 1000 Genomes Project 0.00359; 1000 Genomes Project 30x 0.00390; ExAC 0.00716; gnomAD exomes 0.00730; gnomAD 0.00744 and 0.00773; TOPMed 0.00749; ESP Exome Variant Server 0.00861.
gnomAD v4.1: 19,866 of 1,611,588 alleles (1.2%); highest among the groups gnomAD compares: Non-Finnish European, 1.5%; 169 homozygotes.

Submissions (3):

Labcorp Genetics (formerly Invitae), Labcorp
Classification: Benign. Last evaluated: 2026-02-03. Review status: criteria provided, single submitter. Criteria: Invitae Variant Classification Sherloc (09022015). Collection method: clinical testing. Allele origin: germline.

CeGaT Center for Human Genetics Tuebingen
Classification: Benign. Last evaluated: 2024-10-01. Review status: criteria provided, single submitter. Criteria: CeGaT Center For Human Genetics Tuebingen Variant Classification Criteria Version 2. Collection method: clinical testing. Allele origin: germline. Affected: yes. Observed: 37 variant alleles.
Comment: PPP3CA: BP4, BS1, BS2

Breakthrough Genomics
Classification: Benign. Review status: criteria provided, single submitter. Criteria: ACMG Guidelines, 2015. Collection method: not provided. Allele origin: germline. Inheritance: Autosomal dominant inheritance. Affected: yes.

NM_000944.5(PPP3CA):c.1095G>C (p.Leu365=)

Gene: PPP3CA (protein phosphatase 3 catalytic subunit alpha; minus strand). Cytogenetic location: 4q24.
Variant type: single nucleotide variant.
Coding change: c.1095G>C on transcript NM_000944.5 (MANE Select); coding-DNA position 1095, G replaced by C.
Protein change: p.Leu365=; no amino-acid change (leucine 365 retained).
Molecular consequence: synonymous variant.
Genome position (GRCh38, 1-based): chr4:101,061,148, C>G on the plus strand (G>C on the coding strand, the complement: PPP3CA is on the minus strand). VCF-style: chr4-101061148-C-G. GRCh37 (hg19) VCF-style: chr4-101982305-C-G.
Other names: c.1095G>C, p.Leu365= (NM_001130691.2); c.969G>C, p.Leu323= (NM_001130692.2).
Identifiers: ClinVar variation 769291 (VCV000769291.40), dbSNP rs78927351, ClinGen allele CA3024334.
Genomic context (GRCh38, chr4:101,061,148, plus strand): 5'-ATCAAATCCATCTTCTTCTGACCCTAGTTCATCATCTGAGCAGATGTTGAGGACATTTAC[C>G]AGCATCTCAGTCACTAAAGAGAGAAAGCAAAGAAAGAAAAGTCAGGGTTTTCTGTTATAA-3'
Protein context (NP_000935.1, residues 355-375): PFVGEKVTEM[Leu365=]VNVLNICSDD